The following is an entry in ClinVar:

NM_000016.6(ACADM):c.407C>T (p.Ala136Val)

Gene: ACADM (acyl-CoA dehydrogenase medium chain; plus strand). Cytogenetic location: 1p31.1.
Variant type: single nucleotide variant.
Coding change: c.407C>T on transcript NM_000016.6 (MANE Select); coding-DNA position 407, C replaced by T.
Protein change: p.Ala136Val; replaces alanine 136 with valine.
Molecular consequence: missense variant. On other transcripts: intron variant (1).
Genome position (GRCh38, 1-based): chr1:75,734,810, C>T. VCF-style: chr1-75734810-C-T. GRCh37 (hg19) VCF-style: chr1-76200495-C-T.
Other names: c.299C>T (NM_001286042.1); c.419C>T, p.Ala140Val (NM_001127328.3); c.299C>T, p.Ala100Val (NM_001286042.2); c.506C>T, p.Ala169Val (NM_001286043.2); c.-100+1888C>T (NM_001286044.2); short protein forms A140V, A136V, A169V, A100V.
Identifiers: ClinVar variation 859752 (VCV000859752.9), dbSNP rs750792245, ClinGen allele CA913099.

ClinVar aggregate classification (germline): Pathogenic/Likely pathogenic. Review status: criteria provided, multiple submitters, no conflicts (2 of 4 stars). 4 submissions from 4 submitters: Pathogenic (1); Likely pathogenic (2). 1 of the submissions does not count toward it. Last evaluated 2025-09-10.

Conditions:
Medium-chain acyl-coenzyme A dehydrogenase deficiency (ACADMD). Also called: MCAD Deficiency; ACADM DEFICIENCY; MCADH DEFICIENCY; CARNITINE DEFICIENCY SECONDARY TO MEDIUM-CHAIN ACYL-CoA DEHYDROGENASE DEFICIENCY; Medium chain acyl-CoA dehydrogenase deficiency; MCADD. Identifiers: Orphanet 42, MedGen C0220710, MONDO:0008721, OMIM 201450.

Allele frequency attached by ClinVar (database versions not stated): gnomAD exomes 0.00002 and 0.00003; ExAC 0.00004.
gnomAD v4.1: 25 of 1,613,368 alleles (0.0015%); highest among the groups gnomAD compares: South Asian, 0.027%; 1 homozygote.

Submissions (4):

Genomic Medicine Center of Excellence, King Faisal Specialist Hospital and Research Centre
Classification: Likely pathogenic for Medium-chain acyl-coenzyme A dehydrogenase deficiency. Last evaluated: 2025-09-10. Review status: criteria provided, single submitter. Criteria: ACMG Guidelines, 2015. Collection method: clinical testing. Allele origin: germline.

Labcorp Genetics (formerly Invitae), Labcorp
Classification: Pathogenic for Medium-chain acyl-coenzyme A dehydrogenase deficiency. Last evaluated: 2025-03-17. Review status: criteria provided, single submitter. Criteria: Invitae Variant Classification Sherloc (09022015). Collection method: clinical testing. Allele origin: germline.
Comment: This sequence change replaces alanine, which is neutral and non-polar, with valine, which is neutral and non-polar, at codon 136 of the ACADM protein (p.Ala136Val). This variant is present in population databases (rs750792245, gnomAD 0.02%). This missense change has been observed in individual(s) with medium-chain acyl-coenzyme A dehydrogenase deficiency (internal data). In at least one individual the data is consistent with being in trans (on the opposite chromosome) from a pathogenic variant. ClinVar contains an entry for this variant (Variation ID: 859752). Invitae Evidence Modeling of protein sequence and biophysical properties (such as structural, functional, and spatial information, amino acid conservation, physicochemical variation, residue mobility, and thermodynamic stability) indicates that this missense variant is not expected to disrupt ACADM protein function with a negative predictive value of 80%. Algorithms developed to predict the effect of sequence changes on RNA splicing suggest that this variant may disrupt the consensus splice site. For these reasons, this variant has been classified as Pathogenic.

Fulgent Genetics
Classification: Likely pathogenic for Medium-chain acyl-coenzyme A dehydrogenase deficiency. Last evaluated: 2024-04-22. Review status: criteria provided, single submitter. Criteria: ACMG Guidelines, 2015. Collection method: clinical testing. Allele origin: germline.

Natera, Inc.
Classification: Uncertain significance for Medium-chain acyl-coenzyme a dehydrogenase deficiency. Last evaluated: 2020-09-16. Review status: no assertion criteria provided. Collection method: clinical testing. Allele origin: germline. Not counted in ClinVar's aggregate classification.